The following is an entry in ClinVar:

NM_139318.5(KCNH5):c.826G>A (p.Glu276Lys)

Gene: KCNH5 (potassium voltage-gated channel subfamily H member 5; minus strand). Cytogenetic location: 14q23.2.
Variant type: single nucleotide variant.
Coding change: c.826G>A on transcript NM_139318.5 (MANE Select); coding-DNA position 826, G replaced by A.
Protein change: p.Glu276Lys; replaces glutamic acid 276 with lysine.
Molecular consequence: missense variant.
Genome position (GRCh38, 1-based): chr14:62,980,988, C>T on the plus strand (G>A on the coding strand, the complement: KCNH5 is on the minus strand). VCF-style: chr14-62980988-C-T. GRCh37 (hg19) VCF-style: chr14-63447706-C-T.
Other names: c.826G>A, p.Glu276Lys (NM_172375.3); short protein forms E276K.
Identifiers: ClinVar variation 4858640 (VCV004858640.1).

ClinVar aggregate classification (germline): Uncertain significance (1 of 4 stars; one submission).

Conditions:
Inborn genetic diseases. Identifiers: MedGen C0950123, MeSH D030342.

Submission:

Ambry Genetics
Classification: Uncertain significance for Inborn genetic diseases. Last evaluated: 2026-03-31. Review status: criteria provided, single submitter. Criteria: Ambry Variant Classification Scheme 2023. Collection method: clinical testing. Allele origin: germline.
Comment: The c.826G>A (p.E276K) alteration is located in exon 6 (coding exon 6) of the KCNH5 gene. This alteration results from a G to A substitution at nucleotide position 826, causing the glutamic acid (E) at amino acid position 276 to be replaced by a lysine (K). This variant was not reported in population-based cohorts in the Genome Aggregation Database (gnomAD). This amino acid position is highly conserved in available vertebrate species. This alteration is predicted to be deleterious by in silico analysis. Based on insufficient or conflicting evidence, the clinical significance of this alteration remains unclear.